The following is an entry in ClinVar:

NM_003072.5(SMARCA4):c.2107G>T (p.Ala703Ser)

Gene: SMARCA4 (SWI/SNF related BAF chromatin remodeling complex subunit ATPase 4; plus strand). Cytogenetic location: 19p13.2.
Variant type: single nucleotide variant.
Coding change: c.2107G>T on transcript NM_003072.5 (MANE Select); coding-DNA position 2107, G replaced by T.
Protein change: p.Ala703Ser; replaces alanine 703 with serine.
Molecular consequence: missense variant. On other transcripts: non-coding transcript variant (1).
Genome position (GRCh38, 1-based): chr19:11,008,007, G>T. VCF-style: chr19-11008007-G-T. GRCh37 (hg19) VCF-style: chr19-11118683-G-T.
Other names: c.2107G>T (NM_001128849.1); c.2107G>T, p.Ala703Ser (NM_001128844.3, NM_001128845.2, NM_001128846.2 and 5 more transcripts); short protein forms A703S.
Identifiers: ClinVar variation 1349021 (VCV001349021.9), dbSNP rs1555771662, ClinGen allele CA404052597.

ClinVar aggregate classification (germline): Uncertain significance. Review status: criteria provided, multiple submitters, no conflicts (2 of 4 stars). 2 submissions from 2 submitters: Uncertain significance (2). Last evaluated 2025-06-09.

Conditions:
Hereditary cancer-predisposing syndrome. Also called: Hereditary neoplastic syndrome; Tumor predisposition; Neoplastic Syndromes, Hereditary; Hereditary Cancer Syndrome. Identifiers: Orphanet 140162, MedGen C0027672, MeSH D009386, MONDO:0015356.
Rhabdoid tumor predisposition syndrome 2 (RTPS2). Identifiers: Orphanet 231108, Orphanet 69077, MedGen C2750074, MONDO:0013224, OMIM 613325.

Submissions (2):

Ambry Genetics
Classification: Uncertain significance for Hereditary cancer-predisposing syndrome. Last evaluated: 2025-06-09. Review status: criteria provided, single submitter. Criteria: Ambry Variant Classification Scheme 2023. Collection method: clinical testing. Allele origin: germline.
Comment: The p.A703S variant (also known as c.2107G>T), located in coding exon 13 of the SMARCA4 gene, results from a G to T substitution at nucleotide position 2107. The alanine at codon 703 is replaced by serine, an amino acid with similar properties. This amino acid position is conserved. In addition, the in silico prediction for this alteration is inconclusive. Based on the available evidence, the clinical significance of this variant remains unclear.

Labcorp Genetics (formerly Invitae), Labcorp
Classification: Uncertain significance for Rhabdoid tumor predisposition syndrome 2. Last evaluated: 2021-04-26. Review status: criteria provided, single submitter. Criteria: Invitae Variant Classification Sherloc (09022015). Collection method: clinical testing. Allele origin: germline.
Comment: In summary, the available evidence is currently insufficient to determine the role of this variant in disease. Therefore, it has been classified as a Variant of Uncertain Significance. Algorithms developed to predict the effect of missense changes on protein structure and function are either unavailable or do not agree on the potential impact of this missense change (SIFT: "Deleterious"; PolyPhen-2: "Benign"; Align-GVGD: "Class C15"). This variant has not been reported in the literature in individuals with SMARCA4-related conditions. This variant is not present in population databases (ExAC no frequency). This sequence change replaces alanine with serine at codon 703 of the SMARCA4 protein (p.Ala703Ser). The alanine residue is highly conserved and there is a moderate physicochemical difference between alanine and serine.